The following is an entry in ClinVar:

NM_004315.6(ASAH1):c.82G>A (p.Glu28Lys)

Gene: ASAH1 (N-acylsphingosine amidohydrolase 1; minus strand). Cytogenetic location: 8p22.
Variant type: single nucleotide variant.
Coding change: c.82G>A on transcript NM_004315.6; coding-DNA position 82, G replaced by A.
Protein change: p.Glu28Lys; replaces glutamic acid 28 with lysine.
Molecular consequence: missense variant.
Genome position (GRCh38, 1-based): chr8:18,084,720, C>T on the plus strand (G>A on the coding strand, the complement: ASAH1 is on the minus strand). VCF-style: chr8-18084720-C-T. GRCh37 (hg19) VCF-style: chr8-17942229-C-T.
Other names: c.82G>A, p.Glu28Lys (NM_001127505.3); short protein forms E28K.
Identifiers: ClinVar variation 4796655 (VCV004796655.1).

ClinVar aggregate classification (germline): Likely benign (1 of 4 stars; one submission).

gnomAD v4.1: 453 of 1,613,716 alleles (0.028%); highest among the groups gnomAD compares: East Asian, 0.75%; 2 homozygotes.

Submission:

GeneDx
Classification: Likely benign. Last evaluated: 2019-09-29. Review status: criteria provided, single submitter. Criteria: GeneDx Variant Classification Process June 2021. Collection method: clinical testing. Allele origin: germline. Affected: yes.
Comment: See Variant Classification Assertion Criteria.